The following is an entry in ClinVar:

NM_001130009.3(GEN1):c.2258C>T (p.Ser753Phe)

Gene: GEN1 (GEN1 structure-specific endonuclease; plus strand). Cytogenetic location: 2p24.2.
Variant type: single nucleotide variant.
Coding change: c.2258C>T on transcript NM_001130009.3 (MANE Select); coding-DNA position 2258, C replaced by T.
Protein change: p.Ser753Phe; replaces serine 753 with phenylalanine.
Molecular consequence: missense variant.
Genome position (GRCh38, 1-based): chr2:17,781,470, C>T. VCF-style: chr2-17781470-C-T. GRCh37 (hg19) VCF-style: chr2-17962737-C-T.
Other names: c.2258C>T, p.Ser753Phe (NM_182625.5); short protein forms S753F.
Identifiers: ClinVar variation 1062769 (VCV001062769.9), dbSNP rs777649457, ClinGen allele CA345927649.

ClinVar aggregate classification (germline): Uncertain significance (1 of 4 stars; one submission).

gnomAD v4.1: 1 of 1,613,524 alleles (0.000062%); highest among the groups gnomAD compares: Admixed American, 0.0017%; no homozygotes.

Submission:

Labcorp Genetics (formerly Invitae), Labcorp
Classification: Uncertain significance. Last evaluated: 2023-07-17. Review status: criteria provided, single submitter. Criteria: Invitae Variant Classification Sherloc (09022015). Collection method: clinical testing. Allele origin: germline.
Comment: This sequence change replaces serine, which is neutral and polar, with phenylalanine, which is neutral and non-polar, at codon 753 of the GEN1 protein (p.Ser753Phe). In summary, the available evidence is currently insufficient to determine the role of this variant in disease. Therefore, it has been classified as a Variant of Uncertain Significance. An algorithm developed to predict the effect of missense changes on protein structure and function (PolyPhen-2) suggests that this variant is likely to be disruptive. ClinVar contains an entry for this variant (Variation ID: 1062769). This variant has not been reported in the literature in individuals affected with GEN1-related conditions. This variant is present in population databases (no rsID available, gnomAD 0.003%).